The following is an entry in ClinVar:

ClinVar aggregate classification (germline): Likely benign. Review status: criteria provided, multiple submitters, no conflicts (2 of 4 stars). 6 submissions from 6 submitters: Likely benign (3). 3 of the submissions do not count toward it. Last evaluated 2026-01-25.

Conditions:
TTN-related disorder. Also called: TTN-related condition; TTN-related disease; TTN-related disorders.
Autosomal recessive limb-girdle muscular dystrophy type 2J (LGMDR10). Also called: Limb-girdle muscular dystrophy, type 2J; MUSCULAR DYSTROPHY, LIMB-GIRDLE, AUTOSOMAL RECESSIVE 10. Identifiers: Orphanet 140922, MedGen C1837342, MONDO:0012127, OMIM 608807.
Dilated cardiomyopathy 1G (CMD1G). Identifiers: Orphanet 154, MedGen C1858763, MONDO:0011400, OMIM 604145.
Cardiovascular phenotype. Identifiers: MedGen CN230736.

Allele frequency attached by ClinVar (database versions not stated): ExAC 0.00002; gnomAD exomes 0.00002; gnomAD 0.00003.
gnomAD v4.1: 28 of 1,614,032 alleles (0.0017%); highest among the groups gnomAD compares: Non-Finnish European, 0.0022%; no homozygotes.

Submissions (6):

Labcorp Genetics (formerly Invitae), Labcorp
Classification: Likely benign for Dilated cardiomyopathy 1G; Autosomal recessive limb-girdle muscular dystrophy type 2J. Last evaluated: 2026-01-25. Review status: criteria provided, single submitter. Criteria: Invitae Variant Classification Sherloc (09022015). Collection method: clinical testing. Allele origin: germline.

CeGaT Center for Human Genetics Tuebingen
Classification: Likely benign. Last evaluated: 2024-08-01. Review status: criteria provided, single submitter. Criteria: CeGaT Center For Human Genetics Tuebingen Variant Classification Criteria Version 2. Collection method: clinical testing. Allele origin: germline. Affected: yes. Observed: 1 variant allele.
Comment: TTN: BP4, BP7

Ambry Genetics
Classification: Likely benign for Cardiovascular phenotype. Last evaluated: 2020-03-17. Review status: criteria provided, single submitter. Criteria: Ambry Variant Classification Scheme 2023. Collection method: clinical testing. Allele origin: germline.

PreventionGenetics, part of Exact Sciences
Classification: Likely benign for TTN-related condition. Last evaluated: 2023-07-14. Review status: no assertion criteria provided. Collection method: clinical testing. Allele origin: germline. Not counted in ClinVar's aggregate classification.
Comment: This variant is classified as likely benign based on ACMG/AMP sequence variant interpretation guidelines (Richards et al. 2015 PMID: 25741868, with internal and published modifications).

Clinical Genetics, Academic Medical Center
Classification: Benign. Review status: no assertion criteria provided. Collection method: clinical testing. Allele origin: germline. Affected: yes. Study: VKGL Data-share Consensus. Not counted in ClinVar's aggregate classification.

Joint Genome Diagnostic Labs from Nijmegen and Maastricht, Radboudumc and MUMC+
Classification: Likely benign. Review status: no assertion criteria provided. Collection method: clinical testing. Allele origin: germline. Affected: yes. Study: VKGL Data-share Consensus. Not counted in ClinVar's aggregate classification.

NM_001267550.2(TTN):c.9423T>C (p.Phe3141=)

Gene: TTN (titin; minus strand). Cytogenetic location: 2q31.2.
Variant type: single nucleotide variant.
Coding change: c.9423T>C on transcript NM_001267550.2 (MANE Select); coding-DNA position 9423, T replaced by C.
Protein change: p.Phe3141=; no amino-acid change (phenylalanine 3141 retained).
Molecular consequence: synonymous variant.
Genome position (GRCh38, 1-based): chr2:178,767,807, A>G on the plus strand (T>C on the coding strand, the complement: TTN is on the minus strand). VCF-style: chr2-178767807-A-G. GRCh37 (hg19) VCF-style: chr2-179632534-A-G.
Other names: c.9423T>C, p.Phe3141= (NM_001256850.1, NM_133378.4, NM_133379.5); c.9285T>C, p.Phe3095= (NM_003319.4, NM_133432.3, NM_133437.4).
Identifiers: ClinVar variation 1113390 (VCV001113390.32), dbSNP rs766671126, ClinGen allele CA2004341.